The following is an entry in ClinVar:

ClinVar aggregate classification (germline): Pathogenic (1 of 4 stars; one submission).

Conditions:
PGM1-congenital disorder of glycosylation. Also called: CDG It; GLYCOGEN STORAGE DISEASE XIV; GSD XIV; Congenital disorder of glycosylation type 1t; PHOSPHOGLUCOMUTASE 1 DEFICIENCY; PGM1 DEFICIENCY. Identifiers: Orphanet 319646, MedGen C2752015, MONDO:0013968, OMIM 614921.

Submission:

Labcorp Genetics (formerly Invitae), Labcorp
Classification: Pathogenic for PGM1-congenital disorder of glycosylation. Last evaluated: 2024-07-02. Review status: criteria provided, single submitter. Criteria: Invitae Variant Classification Sherloc (09022015). Collection method: clinical testing. Allele origin: germline.
Comment: This sequence change creates a premature translational stop signal (p.Gln30*) in the PGM1 gene. It is expected to result in an absent or disrupted protein product. Loss-of-function variants in PGM1 are known to be pathogenic (PMID: 22492991). This variant is not present in population databases (gnomAD no frequency). This variant has not been reported in the literature in individuals affected with PGM1-related conditions. For these reasons, this variant has been classified as Pathogenic.

Literature cited by the submitters: PubMed 22492991.

NM_002633.3(PGM1):c.88C>T (p.Gln30Ter)

Genes: PGM1 (phosphoglucomutase 1; plus strand), LOC129930668 (ATAC-STARR-seq lymphoblastoid active region 1127; plus strand). Cytogenetic location: 1p31.3.
Variant type: single nucleotide variant.
Coding change: c.88C>T on transcript NM_002633.3 (MANE Select); coding-DNA position 88, C replaced by T.
Protein change: p.Gln30Ter; replaces glutamine 30 with a stop codon.
Molecular consequence: nonsense.
Genome position (GRCh38, 1-based): chr1:63,593,576, C>T. VCF-style: chr1-63593576-C-T. GRCh37 (hg19) VCF-style: chr1-64059247-C-T.
Other names: short protein forms Q30*.
Identifiers: ClinVar variation 3658561 (VCV003658561.2).